The following is an entry in ClinVar:

ClinVar aggregate classification (germline): Uncertain significance. Review status: criteria provided, multiple submitters, no conflicts (2 of 4 stars). 2 submissions from 2 submitters: Uncertain significance (2). Last evaluated 2024-03-10.

Conditions:
Hereditary cancer-predisposing syndrome. Also called: Hereditary Cancer Syndrome; Neoplastic Syndromes, Hereditary; Tumor predisposition; Hereditary neoplastic syndrome. Identifiers: Orphanet 140162, MedGen C0027672, MeSH D009386, MONDO:0015356.

Submissions (2):

Labcorp Genetics (formerly Invitae), Labcorp
Classification: Uncertain significance. Last evaluated: 2024-03-10. Review status: criteria provided, single submitter. Criteria: Invitae Variant Classification Sherloc (09022015). Collection method: clinical testing. Allele origin: germline.
Comment: This sequence change replaces aspartic acid, which is acidic and polar, with histidine, which is basic and polar, at codon 1768 of the POLE protein (p.Asp1768His). This variant is not present in population databases (gnomAD no frequency). This variant has not been reported in the literature in individuals affected with POLE-related conditions. ClinVar contains an entry for this variant (Variation ID: 1746715). An algorithm developed to predict the effect of missense changes on protein structure and function (PolyPhen-2) suggests that this variant is likely to be disruptive. In summary, the available evidence is currently insufficient to determine the role of this variant in disease. Therefore, it has been classified as a Variant of Uncertain Significance.

Ambry Genetics
Classification: Uncertain significance for Hereditary cancer-predisposing syndrome. Last evaluated: 2021-09-26. Review status: criteria provided, single submitter. Criteria: Ambry Variant Classification Scheme 2023. Collection method: clinical testing. Allele origin: germline.
Comment: The p.D1768H variant (also known as c.5302G>C), located in coding exon 39 of the POLE gene, results from a G to C substitution at nucleotide position 5302. The aspartic acid at codon 1768 is replaced by histidine, an amino acid with similar properties. This amino acid position is conserved. In addition, this alteration is predicted to be tolerated by in silico analysis. Since supporting evidence is limited at this time, the clinical significance of this alteration remains unclear.

NM_006231.4(POLE):c.5302G>C (p.Asp1768His)

Gene: POLE (DNA polymerase epsilon, catalytic subunit; minus strand). Cytogenetic location: 12q24.33.
Variant type: single nucleotide variant.
Coding change: c.5302G>C on transcript NM_006231.4 (MANE Select); coding-DNA position 5302, G replaced by C.
Protein change: p.Asp1768His; replaces aspartic acid 1768 with histidine.
Molecular consequence: missense variant.
Genome position (GRCh38, 1-based): chr12:132,641,723, C>G on the plus strand (G>C on the coding strand, the complement: POLE is on the minus strand). VCF-style: chr12-132641723-C-G. GRCh37 (hg19) VCF-style: chr12-133218309-C-G.
Other names: short protein forms D1768H.
Identifiers: ClinVar variation 1746715 (VCV001746715.4), dbSNP rs2042146868, ClinGen allele CA387376064.
Genomic context (GRCh38, chr12:132,641,723, plus strand): 5'-ACAGGGCTGTCTCATCGTAGCTGGCCGGGGCACTGGCAGCCTGACCACCCGTGATCATGT[C>G]CTCCAGGGAGGCCTGCTGGATCACGTCGAAGCTGATCCCCATGCTGTCGGCCCCCTCCAT-3'
Protein context (NP_006222.2, residues 1758-1778): FDVIQQASLE[Asp1768His]MITGGQAASA